The following is an entry in ClinVar:

NM_001079855.2(GYG2):c.851A>T (p.Asp284Val)

Gene: GYG2 (glycogenin 2; plus strand). Cytogenetic location: Xp22.33.
Variant type: single nucleotide variant.
Coding change: c.851A>T on transcript NM_001079855.2 (MANE Select); coding-DNA position 851, A replaced by T.
Protein change: p.Asp284Val; replaces aspartic acid 284 with valine.
Molecular consequence: missense variant.
Genome position (GRCh38, 1-based): chrX:2,861,535, A>T. VCF-style: chrX-2861535-A-T. GRCh37 (hg19) VCF-style: chrX-2779576-A-T.
Other names: c.944A>T, p.Asp315Val (NM_003918.3, NM_001184703.2); c.851A>T, p.Asp284Val (NM_001184702.2); c.386A>T, p.Asp129Val (NM_001184704.2); short protein forms D284V, D129V, D315V.
Identifiers: ClinVar variation 3655376 (VCV003655376.2).
Genomic context (GRCh38, chrX:2,861,535, plus strand): 5'-TGAGGAGACATAGGGAAGACTCACTCCACGTGTGTGTTTTTGTGCAGCTTTGCCACAGTG[A>T]TGTGGGGGGGCCGTGTGCGGATTCAGCCTCTGGTGTTGGAGAGCCGTGTGAAAATTCAAC-3'
Protein context (NP_001073324.1, residues 274-294): ASPGHTLCHS[Asp284Val]VGGPCADSAS

ClinVar aggregate classification (germline): Uncertain significance (1 of 4 stars; one submission).

gnomAD v4.1: 11 of 1,204,381 alleles (0.00091%); highest among the groups gnomAD compares: Non-Finnish European, 0.001%; no homozygotes.

Submission:

Labcorp Genetics (formerly Invitae), Labcorp
Classification: Uncertain significance. Last evaluated: 2025-01-13. Review status: criteria provided, single submitter. Criteria: Invitae Variant Classification Sherloc (09022015). Collection method: clinical testing. Allele origin: germline.
Comment: This sequence change replaces aspartic acid, which is acidic and polar, with valine, which is neutral and non-polar, at codon 315 of the GYG2 protein (p.Asp315Val). The frequency data for this variant in the population databases is considered unreliable, as metrics indicate poor data quality at this position in the gnomAD database. This variant has not been reported in the literature in individuals affected with GYG2-related conditions. An algorithm developed to predict the effect of missense changes on protein structure and function (PolyPhen-2) suggests that this variant is likely to be tolerated. In summary, the available evidence is currently insufficient to determine the role of this variant in disease. Therefore, it has been classified as a Variant of Uncertain Significance.